The following is an entry in ClinVar:

ClinVar aggregate classification (germline): Uncertain significance (1 of 4 stars; one submission).

gnomAD v4.1: 2 of 1,613,946 alleles (0.00012%); highest among the groups gnomAD compares: Non-Finnish European, 0.00017%; no homozygotes.

Submission:

GeneDx
Classification: Uncertain significance. Last evaluated: 2025-01-31. Review status: criteria provided, single submitter. Criteria: GeneDx Variant Classification Process June 2021. Collection method: clinical testing. Allele origin: germline. Affected: yes.
Comment: Not observed at significant frequency in large population cohorts (gnomAD); In silico analysis indicates that this missense variant does not alter protein structure/function; Has not been previously published as pathogenic or benign to our knowledge

NM_000081.4(LYST):c.7887G>C (p.Glu2629Asp)

Gene: LYST (lysosomal trafficking regulator; minus strand). Cytogenetic location: 1q42.3.
Variant type: single nucleotide variant.
Coding change: c.7887G>C on transcript NM_000081.4 (MANE Select); coding-DNA position 7887, G replaced by C.
Protein change: p.Glu2629Asp; replaces glutamic acid 2629 with aspartic acid.
Molecular consequence: missense variant.
Genome position (GRCh38, 1-based): chr1:235,746,421, C>G on the plus strand (G>C on the coding strand, the complement: LYST is on the minus strand). VCF-style: chr1-235746421-C-G. GRCh37 (hg19) VCF-style: chr1-235909721-C-G.
Other names: c.7887G>C, p.Glu2629Asp (NM_001301365.1); short protein forms E2629D.
Identifiers: ClinVar variation 4072785 (VCV004072785.1).